The following is an entry in ClinVar:

NM_016203.4(PRKAG2):c.359G>A (p.Arg120His)

Gene: PRKAG2 (protein kinase AMP-activated non-catalytic subunit gamma 2; minus strand). Cytogenetic location: 7q36.1.
Variant type: single nucleotide variant.
Coding change: c.359G>A on transcript NM_016203.4 (MANE Select); coding-DNA position 359, G replaced by A.
Protein change: p.Arg120His; replaces arginine 120 with histidine.
Molecular consequence: missense variant.
Genome position (GRCh38, 1-based): chr7:151,781,259, C>T on the plus strand (G>A on the coding strand, the complement: PRKAG2 is on the minus strand). VCF-style: chr7-151781259-C-T. GRCh37 (hg19) VCF-style: chr7-151478345-C-T.
Other names: p.Arg120His; c.227G>A, p.Arg76His (NM_001040633.2); short protein forms R120H, R76H.
Identifiers: ClinVar variation 487637 (VCV000487637.20), dbSNP rs775756069, ClinGen allele CA056900.

ClinVar aggregate classification (germline): Conflicting classifications of pathogenicity. Review status: criteria provided, conflicting classifications (1 of 4 stars). 7 submissions from 7 submitters: Uncertain significance (4); Likely benign (2). 1 of the submissions does not count toward it. Last evaluated 2026-01-23.

Conditions:
Cardiovascular phenotype. Identifiers: MedGen CN230736.
Cardiomyopathy (CMYO). Also called: Cardiomyopathies. Identifiers: Orphanet 167848, MedGen C0878544, MONDO:0004994, HP:0001638. Inheritance: Various modes of inheritance.
Hypertrophic cardiomyopathy. Also called: HYPERTROPHIC MYOCARDIOPATHY. Identifiers: Orphanet 217569, MedGen C0007194, MeSH D002312, MONDO:0005045, HP:0001639.
Lethal congenital glycogen storage disease of heart. Also called: PHOSPHORYLASE KINASE DEFICIENCY OF HEART; GLYCOGEN STORAGE DISEASE OF HEART. Identifiers: Orphanet 439854, MedGen C1849813, MONDO:0009867, OMIM 261740.
Wolff-Parkinson-White pattern. Also called: WPW SYNDROME; Auriculoventricular accessory pathway syndrome; False bundle branch block syndrome; Anomalous ventricular excitation syndrome. Identifiers: MedGen C0043202, MONDO:0008685, OMIM 194200, HP:0001716.

Allele frequency attached by ClinVar (database versions not stated): TOPMed 0.00003; ExAC 0.00008.
gnomAD v4.1: 38 of 1,614,018 alleles (0.0024%); highest among the groups gnomAD compares: Admixed American, 0.05%; no homozygotes.

Submissions (7):

Labcorp Genetics (formerly Invitae), Labcorp
Classification: Likely benign for Lethal congenital glycogen storage disease of heart. Last evaluated: 2026-01-23. Review status: criteria provided, single submitter. Criteria: Invitae Variant Classification Sherloc (09022015). Collection method: clinical testing. Allele origin: germline.

Mayo Clinic Laboratories, Mayo Clinic
Classification: Likely benign. Last evaluated: 2025-04-28. Review status: criteria provided, single submitter. Criteria: ACMG Guidelines, 2015. Collection method: clinical testing. Allele origin: germline. Observed: 2 variant alleles.
Comment: BS1

All of Us Research Program, National Institutes of Health
Classification: Uncertain significance for Hypertrophic cardiomyopathy. Last evaluated: 2024-09-23. Review status: criteria provided, single submitter. Criteria: ACMG Guidelines, 2015. Collection method: clinical testing. Allele origin: germline. Inheritance: Autosomal dominant inheritance. Observed: 16 variant alleles, 16 heterozygotes.
Comment: This variant is located in the PRKAG2 protein. Computational prediction is inconclusive regarding the impact of this variant on protein structure and function (internally defined REVEL score threshold 0.5 < inconclusive < 0.7, PMID: 27666373). To our knowledge, functional studies have not been reported for this variant. This variant has been reported in an individual affected with Wolff-Parkinson-White syndrome (PMID: 32233023). This variant has been identified in 29/251228 chromosomes in the general population by the Genome Aggregation Database (gnomAD). The available evidence is insufficient to determine the role of this variant in disease conclusively. Therefore, this variant is classified as a Variant of Uncertain Significance.

This study involves interpretation of variants in research participants for the purpose of population health screening. Participant phenotype was not available at the time of variant classification. Additional details can be found in publication PMID: 35346344, PMCID: PMC8962531

Color Diagnostics, LLC DBA Color Health
Classification: Uncertain significance for Cardiomyopathy. Last evaluated: 2024-03-15. Review status: criteria provided, single submitter. Criteria: ACMG Guidelines, 2015. Collection method: clinical testing. Allele origin: germline.
Comment: This missense variant replaces arginine with histidine at codon 120 of the PRKAG2 protein. Computational prediction tools indicate that this variant's impact on protein structure and function is inconclusive. To our knowledge, functional studies have not been reported for this variant. This variant has been reported in one individual affected with Wolff-Parkison-White syndrome (PMID: 32233023). This variant has been identified in 29/251228 chromosomes in the general population by the Genome Aggregation Database (gnomAD). The available evidence is insufficient to determine the role of this variant in disease conclusively. Therefore, this variant is classified as a Variant of Uncertain Significance.

Ambry Genetics
Classification: Uncertain significance for Cardiovascular phenotype. Last evaluated: 2023-12-20. Review status: criteria provided, single submitter. Criteria: Ambry Variant Classification Scheme 2023. Collection method: clinical testing. Allele origin: germline.
Comment: The p.R120H variant (also known as c.359G>A), located in coding exon 3 of the PRKAG2 gene, results from a G to A substitution at nucleotide position 359. The arginine at codon 120 is replaced by histidine, an amino acid with highly similar properties. This alteration has been reported in a Wolff-Parkinson-White cohort (Coban-Akdemir ZH et al. Am J Med Genet A, 2020 Jun;182:1387-1399). This amino acid position is highly conserved in available vertebrate species. In addition, this alteration is predicted to be deleterious by in silico analysis. Since supporting evidence is limited at this time, the clinical significance of this alteration remains unclear.

ARUP Laboratories, Molecular Genetics and Genomics, ARUP Laboratories
Classification: Uncertain significance. Last evaluated: 2023-08-08. Review status: criteria provided, single submitter. Criteria: ARUP Molecular Germline Variant Investigation Process 2024. Collection method: clinical testing. Allele origin: germline.
Comment: The PRKAG2 c.359G>A; p.Arg120His variant (rs775756069) is reported in the literature in an individual affected with Wolff-Parkinson-White syndrome, although it was not demonstrated to be disease-causing (Coban-Akdemir 2020). This variant is found in the Latino population with an allele frequency of 0.08% (28/34,584 alleles) in the Genome Aggregation Database. Computational analyses are uncertain whether this variant is neutral or deleterious (REVEL: 0.532). Due to limited information, the clinical significance of the p.Arg120His variant is uncertain at this time. References: Coban-Akdemir ZH et al. Wolff-Parkinson-White syndrome: De novo variants and evidence for mutational burden in genes associated with atrial fibrillation. Am J Med Genet A. 2020 Jun;182(6):1387-1399. PMID: 32233023.

Lupski Lab, Baylor-Hopkins CMG, Baylor College of Medicine
Classification: Uncertain significance for Wolff-Parkinson-White pattern. Last evaluated: 2017-07-14. Review status: no assertion criteria provided. Collection method: research. Allele origin: unknown. Affected: yes. Observed: 1 variant allele. Study: Candidate_variants_in_patients_with_ Wolff-Parkinson-White Syndrome. Not counted in ClinVar's aggregate classification.

Literature cited by the submitters: PubMed 32233023 (cited by 4 submitters); PubMed 39273120 (cited by Mayo Clinic Laboratories, Mayo Clinic).